The following is an entry in ClinVar:

ClinVar aggregate classification (germline): Pathogenic (1 of 4 stars; one submission).

Conditions:
Hereditary hemorrhagic telangiectasia (HHT). Also called: ORW DISEASE; Osler Weber Rendu syndrome; OSLER-RENDU-WEBER DISEASE; Osler hemorrhagic telangiectasia syndrome. Identifiers: Orphanet 774, MedGen C0039445, MONDO:0019180. Disease mechanism: loss of function.

Submission:

Labcorp Genetics (formerly Invitae), Labcorp
Classification: Pathogenic for Hereditary hemorrhagic telangiectasia. Last evaluated: 2025-02-19. Review status: criteria provided, single submitter. Criteria: Invitae Variant Classification Sherloc (09022015). Collection method: clinical testing. Allele origin: germline.
Comment: This sequence change creates a premature translational stop signal (p.Gln562Profs*5) in the ENG gene. While this is not anticipated to result in nonsense mediated decay, it is expected to disrupt the last 64 amino acid(s) of the ENG protein. This variant is not present in population databases (gnomAD no frequency). This variant has not been reported in the literature in individuals affected with ENG-related conditions. This variant disrupts a region of the ENG protein in which other variant(s) (p.Leu572*) have been determined to be pathogenic (PMID: 11440987). This suggests that this is a clinically significant region of the protein, and that variants that disrupt it are likely to be disease-causing. For these reasons, this variant has been classified as Pathogenic.

Literature cited by the submitters: PubMed 11440987.

NM_001114753.3(ENG):c.1684dup (p.Gln562fs)

Genes: ENG (endoglin; minus strand), LOC102723566 (uncharacterized LOC102723566; plus strand). Cytogenetic location: 9q34.11.
Variant type: Duplication.
Coding change: c.1684dup on transcript NM_001114753.3 (MANE Select); coding-DNA position 1684, one base duplicated (C; older notation c.1684dupC).
Protein change: p.Gln562fs; shifts the reading frame from glutamine 562.
Molecular consequence: frameshift variant.
Genome position (GRCh38, 1-based): chr9:127,818,122, G duplicated on the plus strand (C on the coding strand, the reverse complement: ENG is on the minus strand); the first of 2 consecutive G bases (chr9:127,818,122-127,818,123); duplicating either gives the same sequence. VCF-style (leftmost placement, unchanged base first): chr9-127818121-T-TG. GRCh37 (hg19) VCF-style: chr9-130580400-T-TG.
Other names: c.1684dup, p.Gln562fs (NM_000118.4); c.1138dup, p.Gln380fs (NM_001278138.2); short protein forms Q562fs, Q380fs.
Identifiers: ClinVar variation 4713465 (VCV004713465.1).
Genomic context (GRCh38, chr9:127,818,121, plus strand): 5'-GCAAACCACAGACCTGGAAGCTCCCACTTGAAGCTGGGGCCGGCCCAGGCCCCACTCACC[T>TG]GGTCTTGAGACCCGGTCTTGGGACGCAGGGCTACCGTGCAGCTGAGGGTGCCGGTTTTGG-3'